The following is an entry in ClinVar:

NM_001142864.4(PIEZO1):c.6585G>C (p.Ser2195=)

Gene: PIEZO1 (piezo type mechanosensitive ion channel component 1 (Er blood group); minus strand). Cytogenetic location: 16q24.3.
Variant type: single nucleotide variant.
Coding change: c.6585G>C on transcript NM_001142864.4 (MANE Select); coding-DNA position 6585, G replaced by C.
Protein change: p.Ser2195=; no amino-acid change (serine 2195 retained).
Molecular consequence: synonymous variant.
Genome position (GRCh38, 1-based): chr16:88,717,098, C>G on the plus strand (G>C on the coding strand, the complement: PIEZO1 is on the minus strand). VCF-style: chr16-88717098-C-G. GRCh37 (hg19) VCF-style: chr16-88783506-C-G.
Other names: p.Ser2195=.
Identifiers: ClinVar variation 4684129 (VCV004684129.1).
Genomic context (GRCh38, chr16:88,717,098, plus strand): 5'-CTTCAGGGTGACGGTGACATCGATGGGCTGGTTGACAACCCCAACCACGGAGCGCACCAG[C>G]GACATGAAGAGCAGTGGGAACCAGATGATGGCGATGAGGAAGAGGATGATGAGGCCACCC-3'
Protein context (NP_001136336.2, residues 2185-2205): AIIWFPLLFM[Ser2195=]LVRSVVGVVN

ClinVar aggregate classification (germline): Likely benign (1 of 4 stars; one submission).

gnomAD v4.1: 34 of 1,551,118 alleles (0.0022%); highest among the groups gnomAD compares: East Asian, 0.078%; no homozygotes.

Submission:

Mayo Clinic Laboratories, Mayo Clinic
Classification: Likely benign. Last evaluated: 2024-11-12. Review status: criteria provided, single submitter. Criteria: ACMG Guidelines, 2015. Collection method: clinical testing. Allele origin: germline. Observed: 1 variant allele.
Comment: BP4, BP7, PM2_supporting